The following is an entry in ClinVar:

NM_001148.6(ANK2):c.7550C>T (p.Ala2517Val)

Genes: ANK2 (ankyrin 2; plus strand), LOC126807137 (CDK7 strongly-dependent group 2 enhancer GRCh37_chr4:114276560-114277759; plus strand). Cytogenetic location: 4q26.
Variant type: single nucleotide variant.
Coding change: c.7550C>T on transcript NM_001148.6 (MANE Select); coding-DNA position 7550, C replaced by T.
Protein change: p.Ala2517Val; replaces alanine 2517 with valine.
Molecular consequence: missense variant. On other transcripts: intron variant (68).
Genome position (GRCh38, 1-based): chr4:113,356,168, C>T. VCF-style: chr4-113356168-C-T. GRCh37 (hg19) VCF-style: chr4-114277324-C-T.
Other names: c.7316C>T, p.Ala2439Val (NM_001386142.1); c.3950C>T, p.Ala1317Val (NM_001386166.1); c.7691C>T, p.Ala2564Val (NM_001386174.1); c.7667C>T, p.Ala2556Val (NM_001386175.1); c.4412-4655C>T (NM_001386186.2, NM_001386148.2); c.4214-4655C>T (NM_001354269.3); c.4292-4655C>T (NM_001386187.2); c.4253-4655C>T (NM_001386147.1); and 35 more; short protein forms A1317V, A2439V, A2517V, A2556V, A2564V.
Identifiers: ClinVar variation 3610473 (VCV003610473.2).

ClinVar aggregate classification (germline): Uncertain significance (1 of 4 stars; one submission).

Conditions:
Long QT syndrome (LQTS). Identifiers: MedGen C0023976, MeSH D008133, MONDO:0002442. Disease mechanism: loss of function. Inheritance: Various modes of inheritance.

gnomAD v4.1: 22 of 1,614,036 alleles (0.0014%); highest among the groups gnomAD compares: Non-Finnish European, 0.0019%; no homozygotes.

Submission:

Labcorp Genetics (formerly Invitae), Labcorp
Classification: Uncertain significance for Long QT syndrome. Last evaluated: 2025-02-01. Review status: criteria provided, single submitter. Criteria: Invitae Variant Classification Sherloc (09022015). Collection method: clinical testing. Allele origin: germline.
Comment: This sequence change replaces alanine, which is neutral and non-polar, with valine, which is neutral and non-polar, at codon 2517 of the ANK2 protein (p.Ala2517Val). This variant is present in population databases (rs756461250, gnomAD 0.0009%). This variant has not been reported in the literature in individuals affected with ANK2-related conditions. An algorithm developed to predict the effect of missense changes on protein structure and function (PolyPhen-2) suggests that this variant is likely to be disruptive. In summary, the available evidence is currently insufficient to determine the role of this variant in disease. Therefore, it has been classified as a Variant of Uncertain Significance.